The following is an entry in ClinVar:

NM_015374.3(SUN2):c.1859G>A (p.Arg620His)

Genes: GTPBP1 (GTP binding protein 1; plus strand), SUN2 (Sad1 and UNC84 domain containing 2; minus strand). Cytogenetic location: 22q13.1.
Variant type: single nucleotide variant.
Coding change: c.1859G>A on transcript NM_015374.3 (MANE Select); coding-DNA position 1859, G replaced by A.
Protein change: p.Arg620His; replaces arginine 620 with histidine.
Molecular consequence: missense variant.
Genome position (GRCh38, 1-based): chr22:38,738,675, C>T on the plus strand (G>A on the coding strand, the complement: SUN2 is on the minus strand). VCF-style: chr22-38738675-C-T. GRCh37 (hg19) VCF-style: chr22-39134680-C-T.
Other names: c.1922G>A, p.Arg641His (NM_001199579.2, NM_001394428.1); c.1859G>A, p.Arg620His (NM_001199580.2, NM_001394431.1, NM_001394432.1 and 3 more transcripts); c.1952G>A, p.Arg651His (NM_001394427.1); c.1904G>A, p.Arg635His (NM_001394429.1, NM_001394430.1); c.1856G>A, p.Arg619His (NM_001394436.1, NM_001394437.1); c.1769G>A, p.Arg590His (NM_001394438.1); c.1721G>A, p.Arg574His (NM_001394439.1, NM_001394440.1, NM_001394441.1); c.1460G>A, p.Arg487His (NM_001394442.1); and 2 more; short protein forms R428H, R487H, R651H, R635H, R574H, R620H, R641H, R456H.
Identifiers: ClinVar variation 1399348 (VCV001399348.6), dbSNP rs566312173, ClinGen allele CA10235402.

ClinVar aggregate classification (germline): Uncertain significance (1 of 4 stars; one submission).

Conditions:
Emery-Dreifuss muscular dystrophy (EDMD). Also called: Scapuloperoneal syndrome, X-linked (formerly); Humeroperoneal neuromuscular disease, (formerly). Identifiers: Orphanet 261, MedGen C0410189, MONDO:0016830.

Allele frequency attached by ClinVar (database versions not stated): ExAC 0.00002; TOPMed 0.00003; gnomAD exomes 0.00004; gnomAD 0.00006.
gnomAD v4.1: 70 of 1,613,744 alleles (0.0043%); highest among the groups gnomAD compares: East Asian, 0.027%; no homozygotes.

Submission:

Labcorp Genetics (formerly Invitae), Labcorp
Classification: Uncertain significance for Emery-Dreifuss muscular dystrophy. Last evaluated: 2022-07-05. Review status: criteria provided, single submitter. Criteria: Invitae Variant Classification Sherloc (09022015). Collection method: clinical testing. Allele origin: germline.
Comment: In summary, the available evidence is currently insufficient to determine the role of this variant in disease. Therefore, it has been classified as a Variant of Uncertain Significance. Algorithms developed to predict the effect of missense changes on protein structure and function output the following: SIFT: "Tolerated"; PolyPhen-2: "Benign"; Align-GVGD: "Class C0". The histidine amino acid residue is found in multiple mammalian species, which suggests that this missense change does not adversely affect protein function. ClinVar contains an entry for this variant (Variation ID: 1399348). This variant has not been reported in the literature in individuals affected with SUN2-related conditions. This variant is present in population databases (rs566312173, gnomAD 0.03%). This sequence change replaces arginine, which is basic and polar, with histidine, which is basic and polar, at codon 620 of the SUN2 protein (p.Arg620His).